The following is an entry in ClinVar:

ClinVar aggregate classification (germline): Uncertain significance. Review status: criteria provided, multiple submitters, no conflicts (2 of 4 stars). 2 submissions from 2 submitters: Uncertain significance (2). Last evaluated 2025-08-30.

Conditions:
Inborn genetic diseases. Identifiers: MedGen C0950123, MeSH D030342.

gnomAD v4.1: 2 of 1,575,584 alleles (0.00013%); highest among the groups gnomAD compares: Non-Finnish European, 0.00017%; no homozygotes.

Submissions (2):

Ambry Genetics
Classification: Uncertain significance for Inborn genetic diseases. Last evaluated: 2025-08-30. Review status: criteria provided, single submitter. Criteria: Ambry Variant Classification Scheme 2023. Collection method: clinical testing. Allele origin: germline.
Comment: The p.L1577P variant (also known as c.4730T>C), located in coding exon 1 of the SAMD9L gene, results from a T to C substitution at nucleotide position 4730. The leucine at codon 1577 is replaced by proline, an amino acid with similar properties. This amino acid position is conserved. In addition, this alteration is predicted to be tolerated by in silico analysis. Based on the available evidence, the clinical significance of this variant remains unclear.

GeneDx
Classification: Uncertain significance. Last evaluated: 2024-04-22. Review status: criteria provided, single submitter. Criteria: GeneDx Variant Classification Process June 2021. Collection method: clinical testing. Allele origin: germline. Affected: yes.
Comment: Not observed at significant frequency in large population cohorts (gnomAD); In silico analysis supports that this missense variant has a deleterious effect on protein structure/function; Has not been previously published as pathogenic or benign to our knowledge

NM_152703.5(SAMD9L):c.4730T>C (p.Leu1577Pro)

Gene: SAMD9L (sterile alpha motif domain containing 9 like; minus strand). Cytogenetic location: 7q21.2.
Variant type: single nucleotide variant.
Coding change: c.4730T>C on transcript NM_152703.5 (MANE Select); coding-DNA position 4730, T replaced by C.
Protein change: p.Leu1577Pro; replaces leucine 1577 with proline.
Molecular consequence: missense variant.
Genome position (GRCh38, 1-based): chr7:93,131,242, A>G on the plus strand (T>C on the coding strand, the complement: SAMD9L is on the minus strand). VCF-style: chr7-93131242-A-G. GRCh37 (hg19) VCF-style: chr7-92760555-A-G.
Other names: c.4730T>C, p.Leu1577Pro (NM_001303496.3, NM_001303497.3, NM_001303498.3 and 5 more transcripts); c.4730T>C (NM_152703.2); short protein forms L1577P.
Identifiers: ClinVar variation 3372956 (VCV003372956.2).
Genomic context (GRCh38, chr7:93,131,242, plus strand): 5'-AATAAACGTATTTGAACTACAGGTGATGTATTGTCTTAAATTACTTCTATATCATATGCC[A>G]GAGGGCCTTCAATGGAAAATCCTAGGTAGAAAGACACTCTTTCTATGTTCCTACCACTTC-3'
Protein context (NP_689916.2, residues 1567-1584): FYLGFSIEGP[Leu1577Pro]AYDIEVI